The following is an entry in ClinVar:

ClinVar aggregate classification (germline): Pathogenic (1 of 4 stars; one submission).

Conditions:
Hepatic methionine adenosyltransferase deficiency. Also called: MAT I/III DEFICIENCY; Isolated Persistent Hypermethioninemia; Deficiency of methionine adenosyltransferase; Methionine adenosyltransferase deficiency. Identifiers: Orphanet 168598, MedGen C0268621, MeSH C564683, MONDO:0009607, OMIM 250850.

Allele frequency attached by ClinVar (database versions not stated): ExAC 0.00001; gnomAD exomes 0.00001.
gnomAD v4.1: 3 of 1,613,730 alleles (0.00019%); highest among the groups gnomAD compares: Non-Finnish European, 0.00017%; no homozygotes.

Submission:

Labcorp Genetics (formerly Invitae), Labcorp
Classification: Pathogenic for Hepatic methionine adenosyltransferase deficiency. Last evaluated: 2025-01-15. Review status: criteria provided, single submitter. Criteria: Invitae Variant Classification Sherloc (09022015). Collection method: clinical testing. Allele origin: germline.
Comment: This sequence change replaces isoleucine, which is neutral and non-polar, with threonine, which is neutral and polar, at codon 37 of the MAT1A protein (p.Ile37Thr). This variant is present in population databases (rs756522673, gnomAD 0.002%). This missense change has been observed in individual(s) with autosomal recessive hypermethioninemia (PMID: 24445979; internal data). In at least one individual the data is consistent with being in trans (on the opposite chromosome) from a pathogenic variant. ClinVar contains an entry for this variant (Variation ID: 2082436). Invitae Evidence Modeling of protein sequence and biophysical properties (such as structural, functional, and spatial information, amino acid conservation, physicochemical variation, residue mobility, and thermodynamic stability) indicates that this missense variant is expected to disrupt MAT1A protein function with a positive predictive value of 80%. For these reasons, this variant has been classified as Pathogenic.

Literature cited by the submitters: PubMed 24445979.

NM_000429.3(MAT1A):c.110T>C (p.Ile37Thr)

Gene: MAT1A (methionine adenosyltransferase 1A; minus strand). Cytogenetic location: 10q22.3.
Variant type: single nucleotide variant.
Coding change: c.110T>C on transcript NM_000429.3 (MANE Select); coding-DNA position 110, T replaced by C.
Protein change: p.Ile37Thr; replaces isoleucine 37 with threonine.
Molecular consequence: missense variant.
Genome position (GRCh38, 1-based): chr10:80,285,571, A>G on the plus strand (T>C on the coding strand, the complement: MAT1A is on the minus strand). VCF-style: chr10-80285571-A-G. GRCh37 (hg19) VCF-style: chr10-82045327-A-G.
Other names: short protein forms I37T.
Identifiers: ClinVar variation 2082436 (VCV002082436.4), dbSNP rs756522673, ClinGen allele CA5576889.